The following is an entry in ClinVar:

ClinVar aggregate classification (germline): Uncertain significance (1 of 4 stars; one submission).

Submission:

Labcorp Genetics (formerly Invitae), Labcorp
Classification: Uncertain significance. Last evaluated: 2024-10-08. Review status: criteria provided, single submitter. Criteria: Invitae Variant Classification Sherloc (09022015). Collection method: clinical testing. Allele origin: germline.
Comment: This sequence change replaces glutamic acid, which is acidic and polar, with aspartic acid, which is acidic and polar, at codon 442 of the MYO7A protein (p.Glu442Asp). This variant is not present in population databases (gnomAD no frequency). This missense change has been observed in individual(s) with Usher Syndrome (PMID: 28559085). In at least one individual the data is consistent with being in trans (on the opposite chromosome) from a pathogenic variant. Invitae Evidence Modeling of protein sequence and biophysical properties (such as structural, functional, and spatial information, amino acid conservation, physicochemical variation, residue mobility, and thermodynamic stability) has been performed for this missense variant. However, the output from this modeling did not meet the statistical confidence thresholds required to predict the impact of this variant on MYO7A protein function. In summary, the available evidence is currently insufficient to determine the role of this variant in disease. Therefore, it has been classified as a Variant of Uncertain Significance.

Literature cited by the submitters: PubMed 28559085.

NM_000260.4(MYO7A):c.1326G>C (p.Glu442Asp)

Gene: MYO7A (myosin VIIA; plus strand). Cytogenetic location: 11q13.5.
Variant type: single nucleotide variant.
Coding change: c.1326G>C on transcript NM_000260.4 (MANE Select); coding-DNA position 1326, G replaced by C.
Protein change: p.Glu442Asp; replaces glutamic acid 442 with aspartic acid.
Molecular consequence: missense variant.
Genome position (GRCh38, 1-based): chr11:77,161,098, G>C. VCF-style: chr11-77161098-G-C. GRCh37 (hg19) VCF-style: chr11-76872144-G-C.
Other names: c.1326G>C, p.Glu442Asp (NM_001127180.2); c.1293G>C, p.Glu431Asp (NM_001369365.1); short protein forms E442D, E431D.
Identifiers: ClinVar variation 3704415 (VCV003704415.2).
Genomic context (GRCh38, chr11:77,161,098, plus strand): 5'-CTCCCAGGATGTGAAGAACTCTCGCAGGTCCATCGGCCTCCTGGACATCTTTGGGTTTGA[G>C]AACTTTGCTGTGAACAGGTACCGCGTGGGGCTCTGCTCATGGGAATTTCCTTCCCCAATA-3'
Protein context (NP_000251.3, residues 432-452): SIGLLDIFGF[Glu442Asp]NFAVNSFEQL